The following is an entry in ClinVar:

ClinVar aggregate classification (germline): Uncertain significance (1 of 4 stars; one submission).

Allele frequency attached by ClinVar (database versions not stated): TOPMed below 0.00001.
gnomAD v4.1: 32 of 1,613,960 alleles (0.002%); highest among the groups gnomAD compares: Non-Finnish European, 0.0025%; no homozygotes.

Submission:

GeneDx
Classification: Uncertain significance. Last evaluated: 2022-12-16. Review status: criteria provided, single submitter. Criteria: GeneDx Variant Classification Process June 2021. Collection method: clinical testing. Allele origin: germline. Affected: yes.
Comment: Not observed at significant frequency in large population cohorts (gnomAD); In silico analysis supports that this missense variant does not alter protein structure/function; Has not been previously published as pathogenic or benign to our knowledge

NM_003922.4(HERC1):c.866G>C (p.Ser289Thr)

Gene: HERC1 (HECT and RLD domain containing E3 ubiquitin protein ligase family member 1; minus strand). Cytogenetic location: 15q22.31.
Variant type: single nucleotide variant.
Coding change: c.866G>C on transcript NM_003922.4 (MANE Select); coding-DNA position 866, G replaced by C.
Protein change: p.Ser289Thr; replaces serine 289 with threonine.
Molecular consequence: missense variant.
Genome position (GRCh38, 1-based): chr15:63,774,758, C>G on the plus strand (G>C on the coding strand, the complement: HERC1 is on the minus strand). VCF-style: chr15-63774758-C-G. GRCh37 (hg19) VCF-style: chr15-64066957-C-G.
Other names: short protein forms S289T.
Identifiers: ClinVar variation 2505607 (VCV002505607.1), dbSNP rs1264762849, ClinGen allele CA392805619.